The following is an entry in ClinVar:

ClinVar aggregate classification (germline): Likely benign. Review status: criteria provided, multiple submitters, no conflicts (2 of 4 stars). 2 submissions from 2 submitters: Likely benign (2). Last evaluated 2023-08-04.

Conditions:
Hereditary breast ovarian cancer syndrome. Also called: BRCA1- and BRCA2-Associated Hereditary Breast and Ovarian Cancer; Hereditary breast and ovarian cancer syndrome (HBOC); Hereditary breast and/or ovarian cancer syndrome; Hereditary breast and ovarian cancer; Breast and ovarian cancer; Hereditary breast and ovarian cancer syndrome. Identifiers: Orphanet 145, MedGen C0677776, MeSH D061325, MONDO:0003582. Disease mechanism: loss of function.
Hereditary cancer-predisposing syndrome. Also called: Hereditary neoplastic syndrome; Hereditary Cancer Syndrome; Tumor predisposition; Neoplastic Syndromes, Hereditary. Identifiers: Orphanet 140162, MedGen C0027672, MeSH D009386, MONDO:0015356.

Submissions (2):

Labcorp Genetics (formerly Invitae), Labcorp
Classification: Likely benign for Hereditary breast ovarian cancer syndrome. Last evaluated: 2023-08-04. Review status: criteria provided, single submitter. Criteria: Invitae Variant Classification Sherloc (09022015). Collection method: clinical testing. Allele origin: germline.

University of Washington Department of Laboratory Medicine, University of Washington
Classification: Likely benign for Hereditary cancer-predisposing syndrome. Last evaluated: 2023-03-23. Review status: criteria provided, single submitter. Criteria: Dines et al. (Genet Med. 2020). Collection method: curation. Allele origin: germline.
Comment: Missense variant in a coldspot region where missense variants are very unlikely to be pathogenic (PMID:31911673).

BRCA2 exon 10 coldspot. Reclassification based on statistical prior probability.

NM_000059.4(BRCA2):c.950C>G (p.Thr317Arg)

Gene: BRCA2 (BRCA2 DNA repair associated; plus strand). Cytogenetic location: 13q13.1.
Variant type: single nucleotide variant.
Coding change: c.950C>G on transcript NM_000059.4 (MANE Select); coding-DNA position 950, C replaced by G.
Protein change: p.Thr317Arg; replaces threonine 317 with arginine.
Molecular consequence: missense variant.
Genome position (GRCh38, 1-based): chr13:32,332,428, C>G. VCF-style: chr13-32332428-C-G. GRCh37 (hg19) VCF-style: chr13-32906565-C-G.
Other names: c.950C>G, p.Thr317Arg (NM_001406719.1, NM_001406720.1, NM_001406721.1); short protein forms T317R.
Identifiers: ClinVar variation 2004176 (VCV002004176.6), dbSNP rs1341473353, ClinGen allele CA387760848.